The following is an entry in ClinVar:

ClinVar aggregate classification (germline): Uncertain significance (1 of 4 stars; one submission).

Conditions:
Hereditary nonpolyposis colorectal neoplasms. Identifiers: MedGen C0009405, MeSH D003123.

gnomAD v4.1: 2 of 1,614,058 alleles (0.00012%); highest among the groups gnomAD compares: South Asian, 0.0011%; no homozygotes.

Submission:

Labcorp Genetics (formerly Invitae), Labcorp
Classification: Uncertain significance for Hereditary nonpolyposis colorectal neoplasms. Last evaluated: 2021-09-01. Review status: criteria provided, single submitter. Criteria: Invitae Variant Classification Sherloc (09022015). Collection method: clinical testing. Allele origin: germline.
Comment: This sequence change replaces arginine with serine at codon 178 of the MSH6 protein (p.Arg178Ser). The arginine residue is weakly conserved and there is a moderate physicochemical difference between arginine and serine. This variant is not present in population databases (ExAC no frequency). This variant has not been reported in the literature in individuals affected with MSH6-related conditions. Advanced modeling of protein sequence and biophysical properties (such as structural, functional, and spatial information, amino acid conservation, physicochemical variation, residue mobility, and thermodynamic stability) performed at Invitae indicates that this missense variant is not expected to disrupt MSH6 protein function. In summary, the available evidence is currently insufficient to determine the role of this variant in disease. Therefore, it has been classified as a Variant of Uncertain Significance.

NM_000179.3(MSH6):c.532C>A (p.Arg178Ser)

Gene: MSH6 (mutS homolog 6; plus strand). Cytogenetic location: 2p16.3.
Variant type: single nucleotide variant.
Coding change: c.532C>A on transcript NM_000179.3 (MANE Select); coding-DNA position 532, C replaced by A.
Protein change: p.Arg178Ser; replaces arginine 178 with serine.
Molecular consequence: missense variant. On other transcripts: 5 prime UTR variant (1), intron variant (2).
Genome position (GRCh38, 1-based): chr2:47,795,968, C>A. VCF-style: chr2-47795968-C-A. GRCh37 (hg19) VCF-style: chr2-48023107-C-A.
Other names: c.-371C>A (NM_001281494.2); c.-279-2643C>A (NM_001281493.2); c.238-2643C>A (NM_001281492.2); short protein forms R178S.
Identifiers: ClinVar variation 1016979 (VCV001016979.6), dbSNP rs730881813, ClinGen allele CA46703291.
Genomic context (GRCh38, chr2:47,795,968, plus strand): 5'-GAAGCCCAGAAGGGAGGTCATTTTTACAGTGCAAAGCCTGAAATACTGAGAGCAATGCAA[C>A]GTGCAGATGAAGCCTTAAATAAAGACAAGATTAAGAGGCTTGAATTGGCAGTTTGTGATG-3'
Protein context (NP_000170.1, residues 168-188): AKPEILRAMQ[Arg178Ser]ADEALNKDKI